The following is an entry in ClinVar:

NM_001348800.3(ZBTB20):c.634_644del (p.Pro212fs)

Gene: ZBTB20 (zinc finger and BTB domain containing 20; minus strand). Cytogenetic location: 3q13.31.
Variant type: Deletion.
Coding change: c.634_644del on transcript NM_001348800.3 (MANE Select); coding-DNA positions 634 to 644, 11 bases deleted (CCGCGGGGCAC).
Protein change: p.Pro212fs; shifts the reading frame from proline 212.
Molecular consequence: frameshift variant.
Genome position (GRCh38, 1-based): chr3:114,351,434-114,351,444, GTGCCCCGCGG deleted on the plus strand (CCGCGGGGCAC on the coding strand, the reverse complement: ZBTB20 is on the minus strand). VCF-style (leftmost placement, unchanged base first): chr3-114351433-AGTGCCCCGCGG-A. GRCh37 (hg19) VCF-style: chr3-114070280-AGTGCCCCGCGG-A.
Other names: c.634_644del, p.Pro212fs (NM_001164342.2, NM_001348803.3, NM_001393393.1 and 1 more transcripts); c.415_425del, p.Pro139fs (NM_001164343.2, NM_001164344.4, NM_001164345.4 and 9 more transcripts); short protein forms P139fs, P212fs.
Identifiers: ClinVar variation 4822843 (VCV004822843.4).

ClinVar aggregate classification (germline): Pathogenic (1 of 4 stars; one submission).

Submission:

CeGaT Center for Human Genetics Tuebingen
Classification: Pathogenic. Last evaluated: 2026-01-01. Review status: criteria provided, single submitter. Criteria: CeGaT Center For Human Genetics Tuebingen Variant Classification Criteria Version 2. Collection method: clinical testing. Allele origin: germline. Affected: yes. Observed: 1 variant allele.
Comment: ZBTB20: PVS1, PM2, PS2:Moderate